The following is an entry in ClinVar:

NM_016247.4(IMPG2):c.2315C>T (p.Thr772Ile)

Gene: IMPG2 (interphotoreceptor matrix proteoglycan 2; minus strand). Cytogenetic location: 3q12.3.
Variant type: single nucleotide variant.
Coding change: c.2315C>T on transcript NM_016247.4 (MANE Select); coding-DNA position 2315, C replaced by T.
Protein change: p.Thr772Ile; replaces threonine 772 with isoleucine.
Molecular consequence: missense variant.
Genome position (GRCh38, 1-based): chr3:101,244,016, G>A on the plus strand (C>T on the coding strand, the complement: IMPG2 is on the minus strand). VCF-style: chr3-101244016-G-A. GRCh37 (hg19) VCF-style: chr3-100962860-G-A.
Other names: short protein forms T772I.
Identifiers: ClinVar variation 3691671 (VCV003691671.2).

ClinVar aggregate classification (germline): Uncertain significance (1 of 4 stars; one submission).

gnomAD v4.1: 5 of 1,614,174 alleles (0.00031%); highest among the groups gnomAD compares: Non-Finnish European, 0.00042%; no homozygotes.

Submission:

Labcorp Genetics (formerly Invitae), Labcorp
Classification: Uncertain significance. Last evaluated: 2024-05-30. Review status: criteria provided, single submitter. Criteria: Invitae Variant Classification Sherloc (09022015). Collection method: clinical testing. Allele origin: germline.
Comment: This sequence change replaces threonine, which is neutral and polar, with isoleucine, which is neutral and non-polar, at codon 772 of the IMPG2 protein (p.Thr772Ile). This variant is present in population databases (no rsID available, gnomAD 0.002%). This variant has not been reported in the literature in individuals affected with IMPG2-related conditions. Advanced modeling of protein sequence and biophysical properties (such as structural, functional, and spatial information, amino acid conservation, physicochemical variation, residue mobility, and thermodynamic stability) performed at Invitae indicates that this missense variant is not expected to disrupt IMPG2 protein function with a negative predictive value of 80%. In summary, the available evidence is currently insufficient to determine the role of this variant in disease. Therefore, it has been classified as a Variant of Uncertain Significance.